The following is an entry in ClinVar:

ClinVar aggregate classification (germline): Uncertain significance. Review status: criteria provided, multiple submitters, no conflicts (2 of 4 stars). 2 submissions from 2 submitters: Uncertain significance (2). Last evaluated 2024-12-09.

Conditions:
Hereditary cancer-predisposing syndrome. Also called: Neoplastic Syndromes, Hereditary; Tumor predisposition; Hereditary Cancer Syndrome; Hereditary neoplastic syndrome. Identifiers: Orphanet 140162, MedGen C0027672, MeSH D009386, MONDO:0015356.
Gastrointestinal stromal tumor. Also called: Gastrointestinal stromal tumor, somatic; Gastrointestinal stroma tumor. Identifiers: Orphanet 44890, MedGen C0238198, MeSH D046152, MONDO:0011719, OMIM 606764, HP:0100723.

gnomAD v4.1: 1 of 1,614,038 alleles (0.000062%); no homozygotes.

Submissions (2):

Labcorp Genetics (formerly Invitae), Labcorp
Classification: Uncertain significance for Gastrointestinal stromal tumor. Last evaluated: 2024-12-09. Review status: criteria provided, single submitter. Criteria: Invitae Variant Classification Sherloc (09022015). Collection method: clinical testing. Allele origin: germline.
Comment: This sequence change replaces methionine, which is neutral and non-polar, with valine, which is neutral and non-polar, at codon 648 of the PDGFRA protein (p.Met648Val). This variant is not present in population databases (gnomAD no frequency). This variant has not been reported in the literature in individuals affected with PDGFRA-related conditions. ClinVar contains an entry for this variant (Variation ID: 3210837). Invitae Evidence Modeling of protein sequence and biophysical properties (such as structural, functional, and spatial information, amino acid conservation, physicochemical variation, residue mobility, and thermodynamic stability) has been performed for this missense variant. However, the output from this modeling did not meet the statistical confidence thresholds required to predict the impact of this variant on PDGFRA protein function. In summary, the available evidence is currently insufficient to determine the role of this variant in disease. Therefore, it has been classified as a Variant of Uncertain Significance.

Ambry Genetics
Classification: Uncertain significance for Hereditary cancer-predisposing syndrome. Last evaluated: 2023-09-20. Review status: criteria provided, single submitter. Criteria: Ambry Variant Classification Scheme 2023. Collection method: clinical testing. Allele origin: germline.

NM_006206.6(PDGFRA):c.1942A>G (p.Met648Val)

Gene: PDGFRA (platelet derived growth factor receptor alpha; plus strand). Cytogenetic location: 4q12.
Variant type: single nucleotide variant.
Coding change: c.1942A>G on transcript NM_006206.6 (MANE Select); coding-DNA position 1942, A replaced by G.
Protein change: p.Met648Val; replaces methionine 648 with valine.
Molecular consequence: missense variant.
Genome position (GRCh38, 1-based): chr4:54,277,946, A>G. VCF-style: chr4-54277946-A-G. GRCh37 (hg19) VCF-style: chr4-55144113-A-G.
Other names: c.1942A>G, p.Met648Val (NM_001347827.2, NM_001347829.2); c.2017A>G, p.Met673Val (NM_001347828.2); c.1981A>G, p.Met661Val (NM_001347830.2); short protein forms M648V, M661V, M673V.
Identifiers: ClinVar variation 3210837 (VCV003210837.3), dbSNP rs2110311412, ClinGen allele CA356893676.